The following is an entry in ClinVar:

ClinVar aggregate classification (germline): Uncertain significance (1 of 4 stars; one submission).

Conditions:
Hereditary breast ovarian cancer syndrome. Also called: Hereditary breast and ovarian cancer syndrome (HBOC); Hereditary breast and ovarian cancer syndrome; Breast and ovarian cancer; Hereditary breast and ovarian cancer; Hereditary breast and/or ovarian cancer syndrome; BRCA1- and BRCA2-Associated Hereditary Breast and Ovarian Cancer. Identifiers: Orphanet 145, MedGen C0677776, MeSH D061325, MONDO:0003582. Disease mechanism: loss of function.

Submission:

Labcorp Genetics (formerly Invitae), Labcorp
Classification: Uncertain significance for Hereditary breast ovarian cancer syndrome. Last evaluated: 2023-09-29. Review status: criteria provided, single submitter. Criteria: Invitae Variant Classification Sherloc (09022015). Collection method: clinical testing. Allele origin: germline.
Comment: This variant is not present in population databases (gnomAD no frequency). In summary, the available evidence is currently insufficient to determine the role of this variant in disease. Therefore, it has been classified as a Variant of Uncertain Significance. Advanced modeling of protein sequence and biophysical properties (such as structural, functional, and spatial information, amino acid conservation, physicochemical variation, residue mobility, and thermodynamic stability) performed at Invitae indicates that this missense variant is not expected to disrupt BRCA1 protein function. ClinVar contains an entry for this variant (Variation ID: 662076). This variant has not been reported in the literature in individuals affected with BRCA1-related conditions. This sequence change replaces glutamine, which is neutral and polar, with glutamic acid, which is acidic and polar, at codon 1604 of the BRCA1 protein (p.Gln1604Glu).

NM_007294.4(BRCA1):c.4810C>G (p.Gln1604Glu)

Gene: BRCA1 (BRCA1 DNA repair associated; minus strand). Cytogenetic location: 17q21.31.
Variant type: single nucleotide variant.
Coding change: c.4810C>G on transcript NM_007294.4 (MANE Select); coding-DNA position 4810, C replaced by G.
Protein change: p.Gln1604Glu; replaces glutamine 1604 with glutamic acid.
Molecular consequence: missense variant. On other transcripts: non-coding transcript variant (1).
Genome position (GRCh38, 1-based): chr17:43,071,104, G>C on the plus strand (C>G on the coding strand, the complement: BRCA1 is on the minus strand). VCF-style: chr17-43071104-G-C. GRCh37 (hg19) VCF-style: chr17-41223121-G-C.
Other names: c.4597C>G, p.Gln1533Glu (NM_001407571.1, NM_001407894.1, NM_001407895.1 and 12 more transcripts); c.4876C>G, p.Gln1626Glu (NM_001407581.1, NM_001407582.1); c.4873C>G, p.Gln1625Glu (NM_001407583.1, NM_001407585.1, NM_001407587.1 and 1 more transcripts); c.4870C>G, p.Gln1624Glu (NM_001407590.1, NM_001407591.1); c.4810C>G, p.Gln1604Glu (NM_001407593.1, NM_001407594.1, NM_001407596.1 and 8 more transcripts); c.4807C>G, p.Gln1603Glu (NM_001407610.1, NM_001407611.1, NM_001407612.1 and 17 more transcripts); c.4804C>G, p.Gln1602Glu (NM_001407627.1, NM_001407628.1, NM_001407629.1 and 14 more transcripts); c.4801C>G, p.Gln1601Glu (NM_001407644.1, NM_001407645.1); and 70 more; short protein forms Q1557E, Q1604E, Q500E, Q1625E, Q1450E, Q1516E, Q1533E, Q1537E.
Identifiers: ClinVar variation 662076 (VCV000662076.10), dbSNP rs80357352, ClinGen allele CA10591900.